The following is an entry in ClinVar:

ClinVar aggregate classification (germline): Uncertain significance (1 of 4 stars; one submission).

Allele frequency attached by ClinVar (database versions not stated): gnomAD exomes below 0.00001.
gnomAD v4.1: 1 of 1,614,174 alleles (0.000062%); highest among the groups gnomAD compares: South Asian, 0.0011%; no homozygotes.

Submission:

Labcorp Genetics (formerly Invitae), Labcorp
Classification: Uncertain significance. Last evaluated: 2022-09-18. Review status: criteria provided, single submitter. Criteria: Invitae Variant Classification Sherloc (09022015). Collection method: clinical testing. Allele origin: germline.
Comment: In summary, the available evidence is currently insufficient to determine the role of this variant in disease. Therefore, it has been classified as a Variant of Uncertain Significance. Variants that disrupt the consensus splice site are a relatively common cause of aberrant splicing (PMID: 17576681, 9536098). Algorithms developed to predict the effect of sequence changes on RNA splicing suggest that this variant is not likely to affect RNA splicing. This variant has not been reported in the literature in individuals affected with KRT83-related conditions. This variant is not present in population databases (gnomAD no frequency). This sequence change falls in intron 5 of the KRT83 gene. It does not directly change the encoded amino acid sequence of the KRT83 protein. It affects a nucleotide within the consensus splice site.

Literature cited by the submitters: PubMed 17576681; PubMed 9536098.

NM_002282.3(KRT83):c.915+5G>A

Gene: KRT83 (keratin 83; minus strand). Cytogenetic location: 12q13.13.
Variant type: single nucleotide variant.
Coding change: c.915+5G>A on transcript NM_002282.3 (MANE Select); 5 bases into the intron after coding-DNA position 915, G replaced by A.
Molecular consequence: intron variant.
Genome position (GRCh38, 1-based): chr12:52,316,854, C>T on the plus strand (G>A on the coding strand, the complement: KRT83 is on the minus strand). VCF-style: chr12-52316854-C-T. GRCh37 (hg19) VCF-style: chr12-52710638-C-T.
Identifiers: ClinVar variation 1939459 (VCV001939459.5), dbSNP rs2540554629, ClinGen allele CA2580086507.